The following is an entry in ClinVar:

NM_001271.4(CHD2):c.1154-103G>C

Gene: CHD2 (chromodomain helicase DNA binding protein 2; plus strand). Cytogenetic location: 15q26.1.
Variant type: single nucleotide variant.
Coding change: c.1154-103G>C on transcript NM_001271.4 (MANE Select); 103 bases into the intron before coding-DNA position 1154, G replaced by C.
Molecular consequence: intron variant.
Genome position (GRCh38, 1-based): chr15:92,945,718, G>C. VCF-style: chr15-92945718-G-C. GRCh37 (hg19) VCF-style: chr15-93488948-G-C.
Other names: c.1154-103G>C (NM_001042572.3).
Identifiers: ClinVar variation 677393 (VCV000677393.2), dbSNP rs60654366, ClinGen allele CA274873671.

ClinVar aggregate classification (germline): Likely benign. Review status: criteria provided, multiple submitters, no conflicts (2 of 4 stars). 2 submissions from 2 submitters: Likely benign (2). Last evaluated 2018-06-16.

Allele frequency attached by ClinVar (database versions not stated): 1000 Genomes Project 30x 0.00515; gnomAD 0.00522 and 0.00564; 1000 Genomes Project 0.00539; TOPMed 0.00565.
gnomAD v4.1: 1,062 of 643,838 alleles (0.16%); highest among the groups gnomAD compares: African/African-American, 1.9%; 14 homozygotes.

Submissions (2):

GeneDx
Classification: Likely benign. Last evaluated: 2018-06-16. Review status: criteria provided, single submitter. Criteria: GeneDx Variant Classification (06012015). Collection method: clinical testing. Allele origin: germline. Affected: yes.
Comment: This variant is considered likely benign or benign based on one or more of the following criteria: it is a conservative change, it occurs at a poorly conserved position in the protein, it is predicted to be benign by multiple in silico algorithms, and/or has population frequency not consistent with disease.

Breakthrough Genomics
Classification: Likely benign. Review status: criteria provided, single submitter. Criteria: ACMG Guidelines, 2015. Collection method: not provided. Allele origin: germline. Inheritance: Autosomal dominant inheritance. Affected: yes.